The following is an entry in ClinVar:

ClinVar aggregate classification (germline): Uncertain significance (1 of 4 stars; one submission).

Conditions:
Emery-Dreifuss muscular dystrophy 5, autosomal dominant (EDMD5). Also called: EMERY-DREIFUSS MUSCULAR DYSTROPHY 5. Identifiers: Orphanet 261, MedGen C2751805, MONDO:0013072, OMIM 612999.

Allele frequency attached by ClinVar (database versions not stated): gnomAD exomes below 0.00001 and 0.00001; TOPMed below 0.00001.
gnomAD v4.1: 21 of 1,614,060 alleles (0.0013%); highest among the groups gnomAD compares: East Asian, 0.0045%; no homozygotes.

Submission:

Labcorp Genetics (formerly Invitae), Labcorp
Classification: Uncertain significance for Emery-Dreifuss muscular dystrophy 5, autosomal dominant. Last evaluated: 2025-02-13. Review status: criteria provided, single submitter. Criteria: Invitae Variant Classification Sherloc (09022015). Collection method: clinical testing. Allele origin: germline.
Comment: This sequence change replaces asparagine, which is neutral and polar, with serine, which is neutral and polar, at codon 3999 of the SYNE2 protein (p.Asn3999Ser). This variant is present in population databases (no rsID available, gnomAD 0.0009%). This variant has not been reported in the literature in individuals affected with SYNE2-related conditions. ClinVar contains an entry for this variant (Variation ID: 1057278). An algorithm developed to predict the effect of missense changes on protein structure and function outputs the following: PolyPhen-2: "Benign". The serine amino acid residue is found in multiple mammalian species, which suggests that this missense change does not adversely affect protein function. In summary, the available evidence is currently insufficient to determine the role of this variant in disease. Therefore, it has been classified as a Variant of Uncertain Significance.

NM_182914.3(SYNE2):c.11996A>G (p.Asn3999Ser)

Gene: SYNE2 (spectrin repeat containing nuclear envelope protein 2; plus strand). Cytogenetic location: 14q23.2.
Variant type: single nucleotide variant.
Coding change: c.11996A>G on transcript NM_182914.3 (MANE Select); coding-DNA position 11996, A replaced by G.
Protein change: p.Asn3999Ser; replaces asparagine 3999 with serine.
Molecular consequence: missense variant.
Genome position (GRCh38, 1-based): chr14:64,093,368, A>G. VCF-style: chr14-64093368-A-G. GRCh37 (hg19) VCF-style: chr14-64560086-A-G.
Other names: c.11996A>G, p.Asn3999Ser (NM_015180.6); short protein forms N3999S.
Identifiers: ClinVar variation 1057278 (VCV001057278.10), dbSNP rs1232744942, ClinGen allele CA389950177.